The following is an entry in ClinVar:

NM_153717.3(EVC):c.2688+1G>C

Gene: EVC (EvC ciliary complex subunit 1; plus strand). Cytogenetic location: 4p16.2.
Variant type: single nucleotide variant.
Coding change: c.2688+1G>C on transcript NM_153717.3 (MANE Select); the canonical splice donor site of the intron after coding-DNA position 2688, G replaced by C.
Molecular consequence: splice donor variant.
Genome position (GRCh38, 1-based): chr4:5,808,328, G>C. VCF-style: chr4-5808328-G-C. GRCh37 (hg19) VCF-style: chr4-5810055-G-C.
Other names: c.2688+1G>C (NM_001306090.2).
Identifiers: ClinVar variation 554228 (VCV000554228.5), dbSNP rs1553895776, ClinGen allele CA356151348.

ClinVar aggregate classification (germline): Likely pathogenic. Review status: criteria provided, single submitter (1 of 4 stars). 2 submissions from 2 submitters: Likely pathogenic (1). 1 of the submissions does not count toward it. Last evaluated 2023-11-02.

Conditions:
Curry-Hall syndrome (WAD). Also called: WEYERS ACRODENTAL DYSOSTOSIS. Identifiers: Orphanet 952, MedGen C0457013, MONDO:0008673, OMIM 193530.
Ellis-van Creveld syndrome (EVC). Also called: EVC2-Related Ellis-van Creveld Syndrome; EVC-Related Ellis-van Creveld Syndrome; MESOECTODERMAL DYSPLASIA; Chondroectodermal dysplasia. Identifiers: Orphanet 289, MedGen C0013903, MONDO:0009162, OMIM 225500.

Submissions (2):

Labcorp Genetics (formerly Invitae), Labcorp
Classification: Likely pathogenic for Curry-Hall syndrome; Ellis-van Creveld syndrome. Last evaluated: 2023-11-02. Review status: criteria provided, single submitter. Criteria: Invitae Variant Classification Sherloc (09022015). Collection method: clinical testing. Allele origin: germline.
Comment: This sequence change affects a donor splice site in intron 18 of the EVC gene. It is expected to disrupt RNA splicing. Variants that disrupt the donor or acceptor splice site typically lead to a loss of protein function (PMID: 16199547), and loss-of-function variants in EVC are known to be pathogenic (PMID: 23220543). This variant is not present in population databases (gnomAD no frequency). This variant has not been reported in the literature in individuals affected with EVC-related conditions. ClinVar contains an entry for this variant (Variation ID: 554228). Algorithms developed to predict the effect of sequence changes on RNA splicing suggest that this variant may disrupt the consensus splice site. In summary, the currently available evidence indicates that the variant is pathogenic, but additional data are needed to prove that conclusively. Therefore, this variant has been classified as Likely Pathogenic.

Counsyl
Classification: Likely pathogenic for Ellis-van Creveld syndrome. Last evaluated: 2017-10-02. Review status: no assertion criteria provided. Collection method: clinical testing. Allele origin: unknown. Not counted in ClinVar's aggregate classification.

Literature cited by the submitters: PubMed 16199547 (cited by Labcorp Genetics (formerly Invitae), Labcorp); PubMed 23220543 (cited by Labcorp Genetics (formerly Invitae), Labcorp).